The following is an entry in ClinVar:

ClinVar aggregate classification (germline): Benign. Review status: criteria provided, multiple submitters, no conflicts (2 of 4 stars). 2 submissions from 2 submitters: Benign (2). Last evaluated 2018-06-14.

Allele frequency attached by ClinVar (database versions not stated): gnomAD 0.07534 and 0.07970; TOPMed 0.08125; gnomAD exomes 0.09047; 1000 Genomes Project 30x 0.11368; 1000 Genomes Project 0.11562.
gnomAD v4.1: 88,540 of 997,282 alleles (8.9%); highest among the groups gnomAD compares: East Asian, 15%; 4,386 homozygotes.

Submissions (2):

GeneDx
Classification: Benign. Last evaluated: 2018-06-14. Review status: criteria provided, single submitter. Criteria: GeneDx Variant Classification (06012015). Collection method: clinical testing. Allele origin: germline. Affected: yes.
Comment: This variant is considered likely benign or benign based on one or more of the following criteria: it is a conservative change, it occurs at a poorly conserved position in the protein, it is predicted to be benign by multiple in silico algorithms, and/or has population frequency not consistent with disease.

Breakthrough Genomics
Classification: Benign. Review status: criteria provided, single submitter. Criteria: ACMG Guidelines, 2015. Collection method: not provided. Allele origin: germline. Inheritance: Autosomal dominant inheritance. Affected: yes.

NM_005619.5(RTN2):c.1498-102C>A

Genes: OPA3-RTN2 (OPA3-RTN2 readthrough; minus strand), RTN2 (reticulon 2; minus strand). Cytogenetic location: 19q13.32.
Variant type: single nucleotide variant.
Coding change: c.1498-102C>A on transcript NM_005619.5 (MANE Select); 102 bases into the intron before coding-DNA position 1498, C replaced by A.
Molecular consequence: intron variant.
Genome position (GRCh38, 1-based): chr19:45,486,215, G>T on the plus strand (C>A on the coding strand, the complement: RTN2 is on the minus strand). VCF-style: chr19-45486215-G-T. GRCh37 (hg19) VCF-style: chr19-45989473-G-T.
Other names: c.1279-102C>A (NM_206900.3); c.478-102C>A (NM_206901.3).
Identifiers: ClinVar variation 677525 (VCV000677525.2), dbSNP rs73567088, ClinGen allele CA14690626.